The following is an entry in ClinVar:

ClinVar aggregate classification (germline): Uncertain significance. Review status: criteria provided, multiple submitters, no conflicts (2 of 4 stars). 3 submissions from 3 submitters: Uncertain significance (3). Last evaluated 2025-06-01.

Conditions:
Intellectual disability, autosomal recessive 53 (NEDHSCA). Also called: NEURODEVELOPMENTAL DISORDER WITH OR WITHOUT HYPOTONIA, SEIZURES, AND CEREBELLAR ATROPHY; GLYCOSYLPHOSPHATIDYLINOSITOL BIOSYNTHESIS DEFECT 13; Mental retardation, autosomal recessive 53. Identifiers: Orphanet 488635, MedGen C4310794, MONDO:0014832, OMIM 616917.

Allele frequency attached by ClinVar (database versions not stated): gnomAD below 0.00001 and 0.00001; ExAC 0.00002; gnomAD exomes 0.00003.
gnomAD v4.1: 22 of 1,613,644 alleles (0.0014%); highest among the groups gnomAD compares: South Asian, 0.02%; no homozygotes.

Submissions (3):

GeneDx
Classification: Uncertain significance. Last evaluated: 2025-06-01. Review status: criteria provided, single submitter. Criteria: GeneDx Variant Classification Process June 2021. Collection method: clinical testing. Allele origin: germline. Affected: yes.
Comment: In silico analysis supports that this missense variant has a deleterious effect on protein structure/function; Has not been previously published as pathogenic or benign to our knowledge

Labcorp Genetics (formerly Invitae), Labcorp
Classification: Uncertain significance for Intellectual disability, autosomal recessive 53. Last evaluated: 2024-07-01. Review status: criteria provided, single submitter. Criteria: Invitae Variant Classification Sherloc (09022015). Collection method: clinical testing. Allele origin: germline.
Comment: This sequence change replaces leucine, which is neutral and non-polar, with phenylalanine, which is neutral and non-polar, at codon 76 of the PIGG protein (p.Leu76Phe). This variant is present in population databases (rs782727523, gnomAD 0.02%). This variant has not been reported in the literature in individuals affected with PIGG-related conditions. ClinVar contains an entry for this variant (Variation ID: 864305). Advanced modeling of protein sequence and biophysical properties (such as structural, functional, and spatial information, amino acid conservation, physicochemical variation, residue mobility, and thermodynamic stability) performed at Invitae indicates that this missense variant is expected to disrupt PIGG protein function with a positive predictive value of 80%. In summary, the available evidence is currently insufficient to determine the role of this variant in disease. Therefore, it has been classified as a Variant of Uncertain Significance.

Victorian Clinical Genetics Services, Murdoch Childrens Research Institute
Classification: Uncertain significance for Intellectual disability, autosomal recessive 53. Last evaluated: 2021-05-06. Review status: criteria provided, single submitter. Criteria: ACMG Guidelines, 2015. Collection method: clinical testing. Allele origin: germline. Inheritance: Autosomal recessive inheritance. Affected: yes.
Comment: Based on the classification scheme VCGS_Germline_v1.3.4, this variant is classified as VUS-3B. Following criteria are met: 0102 - Loss of function is a known mechanism of disease in this gene and is associated with intellectual disability 53 (MIM#616917). (I) 0106 - This gene is associated with autosomal recessive disease. (I) 0200 - Variant is predicted to result in a missense amino acid change from leucine to phenylalanine. (I) 0251 - This variant is heterozygous. (I) 0304 - Variant is present in gnomAD (v2) <0.01 for a recessive condition (8 heterozygotes, 0 homozygotes). (SP) 0502 - Missense variant with conflicting in silico predictions and uninformative conservation. (I) 0600 - Variant is located in the annotated GPI ethanolamine phosphate transferase 2 (NCBI). (I) 0705 - No comparable missense variants have previous evidence for pathogenicity. (I) 0809 - Previous evidence of pathogenicity for this variant is inconclusive. This variant has been reported as VUS in one individual (ClinVar). (I) 0905 - No published segregation evidence has been identified for this variant. (I) 1007 - No published functional evidence has been identified for this variant. (I) 1208 - Inheritance information for this variant is not currently available in this individual. (I) Legend: (SP) - Supporting pathogenic, (I) - Information, (SB) - Supporting benign

NM_001127178.3(PIGG):c.228G>T (p.Leu76Phe)

Gene: PIGG (phosphatidylinositol glycan anchor biosynthesis class G (EMM blood group); plus strand). Cytogenetic location: 4p16.3.
Variant type: single nucleotide variant.
Coding change: c.228G>T on transcript NM_001127178.3 (MANE Select); coding-DNA position 228, G replaced by T.
Protein change: p.Leu76Phe; replaces leucine 76 with phenylalanine.
Molecular consequence: missense variant. On other transcripts: 5 prime UTR variant (10), non-coding transcript variant (10).
Genome position (GRCh38, 1-based): chr4:500,469, G>T. VCF-style: chr4-500469-G-T. GRCh37 (hg19) VCF-style: chr4-494258-G-T.
Other names: c.-40G>T (NM_001289051.2, NM_001289053.2, NM_001289057.2 and 2 more transcripts); c.228G>T, p.Leu76Phe (NM_001289052.2, NM_001345989.2, NM_017733.5); c.-209G>T (NM_001289055.2); c.-660G>T (NM_001345988.2); c.-1398G>T (NM_001345990.2); c.-1260G>T (NM_001345991.2); c.-985G>T (NM_001345994.2); short protein forms L76F.
Identifiers: ClinVar variation 864305 (VCV000864305.9), dbSNP rs782727523, ClinGen allele CA2792939.